The following is an entry in ClinVar:

NM_001244008.2(KIF1A):c.1465G>A (p.Gly489Ser)

Gene: KIF1A (kinesin family member 1A; minus strand). Cytogenetic location: 2q37.3.
Variant type: single nucleotide variant.
Coding change: c.1465G>A on transcript NM_001244008.2 (MANE Select); coding-DNA position 1465, G replaced by A.
Protein change: p.Gly489Ser; replaces glycine 489 with serine.
Molecular consequence: missense variant.
Genome position (GRCh38, 1-based): chr2:240,769,165, C>T on the plus strand (G>A on the coding strand, the complement: KIF1A is on the minus strand). VCF-style: chr2-240769165-C-T. GRCh37 (hg19) VCF-style: chr2-241708582-C-T.
Other names: c.1540G>A, p.Gly514Ser (NM_001379634.1, NM_001379635.1, NM_001379646.1 and 2 more transcripts); c.1438G>A, p.Gly480Ser (NM_001379636.1, NM_001379639.1, NM_001379640.1 and 10 more transcripts); c.1513G>A, p.Gly505Ser (NM_001379637.1, NM_001379648.1); c.1465G>A, p.Gly489Ser (NM_001379638.1, NM_001320705.2, NM_001330289.2); short protein forms G489S, G505S, G480S, G514S.
Identifiers: ClinVar variation 4795286 (VCV004795286.1).

ClinVar aggregate classification (germline): Uncertain significance (1 of 4 stars; one submission).

Submission:

GeneDx
Classification: Uncertain significance. Last evaluated: 2025-08-16. Review status: criteria provided, single submitter. Criteria: GeneDx Variant Classification Process June 2021. Collection method: clinical testing. Allele origin: germline. Affected: yes.
Comment: Not observed at significant frequency in large population cohorts (gnomAD); In silico analysis supports that this missense variant has a deleterious effect on protein structure/function; Has not been previously published as pathogenic or benign to our knowledge